The following is an entry in ClinVar:

NM_000492.4(CFTR):c.931T>C (p.Phe311Leu)

Gene: CFTR (CF transmembrane conductance regulator; plus strand). Cytogenetic location: 7q31.2.
Variant type: single nucleotide variant.
Coding change: c.931T>C on transcript NM_000492.4 (MANE Select); coding-DNA position 931, T replaced by C.
Protein change: p.Phe311Leu; replaces phenylalanine 311 with leucine.
Molecular consequence: missense variant.
Genome position (GRCh38, 1-based): chr7:117,540,161, T>C. VCF-style: chr7-117540161-T-C. GRCh37 (hg19) VCF-style: chr7-117180215-T-C.
Other names: short protein forms F311L.
Identifiers: ClinVar variation 1474955 (VCV001474955.6), dbSNP rs2116683801, ClinGen allele CA368978315.

ClinVar aggregate classification (germline): Likely pathogenic (1 of 4 stars; one submission).

Conditions:
Cystic fibrosis (CF). Also called: MUCOVISCIDOSIS. Identifiers: Orphanet 586, MedGen C0010674, MONDO:0009061, OMIM 219700. Disease mechanism: loss of function.

Submission:

Labcorp Genetics (formerly Invitae), Labcorp
Classification: Likely pathogenic for Cystic fibrosis. Last evaluated: 2021-11-27. Review status: criteria provided, single submitter. Criteria: Invitae Variant Classification Sherloc (09022015). Collection method: clinical testing. Allele origin: germline.
Comment: This variant is not present in population databases (gnomAD no frequency). In summary, the currently available evidence indicates that the variant is pathogenic, but additional data are needed to prove that conclusively. Therefore, this variant has been classified as Likely Pathogenic. Algorithms developed to predict the effect of missense changes on protein structure and function (SIFT, PolyPhen-2, Align-GVGD) all suggest that this variant is likely to be tolerated. A different variant (c.933C>G) giving rise to the same protein effect has been determined to be pathogenic (PMID: 1284639, 7539342, 9459534, 24586523). This suggests that this variant is also likely to be causative of disease. This sequence change replaces phenylalanine, which is neutral and non-polar, with leucine, which is neutral and non-polar, at codon 311 of the CFTR protein (p.Phe311Leu).

Literature cited by the submitters: PubMed 1284639; PubMed 7539342; PubMed 9459534; PubMed 24586523.